The following is an entry in ClinVar:

ClinVar aggregate classification (germline): Conflicting classifications of pathogenicity. Review status: criteria provided, conflicting classifications (1 of 4 stars). 2 submissions from 2 submitters: Uncertain significance (1); Likely benign (1). Last evaluated 2024-11-13.

Conditions:
Cardiomyopathy (CMYO). Also called: Cardiomyopathies. Identifiers: Orphanet 167848, MedGen C0878544, MONDO:0004994, HP:0001638. Inheritance: Various modes of inheritance.
Lethal congenital glycogen storage disease of heart. Also called: GLYCOGEN STORAGE DISEASE OF HEART; PHOSPHORYLASE KINASE DEFICIENCY OF HEART. Identifiers: Orphanet 439854, MedGen C1849813, MONDO:0009867, OMIM 261740.

Allele frequency attached by ClinVar (database versions not stated): TOPMed below 0.00001.

Submissions (2):

Color Diagnostics, LLC DBA Color Health
Classification: Likely benign for Cardiomyopathy. Last evaluated: 2024-11-13. Review status: criteria provided, single submitter. Criteria: ACMG Guidelines, 2015. Collection method: clinical testing. Allele origin: germline.

Labcorp Genetics (formerly Invitae), Labcorp
Classification: Uncertain significance for Lethal congenital glycogen storage disease of heart. Last evaluated: 2024-07-30. Review status: criteria provided, single submitter. Criteria: Invitae Variant Classification Sherloc (09022015). Collection method: clinical testing. Allele origin: germline.
Comment: This sequence change replaces glutamine, which is neutral and polar, with arginine, which is basic and polar, at codon 28 of the PRKAG2 protein (p.Gln28Arg). This variant is not present in population databases (gnomAD no frequency). This variant has not been reported in the literature in individuals affected with PRKAG2-related conditions. ClinVar contains an entry for this variant (Variation ID: 1051753). Advanced modeling of protein sequence and biophysical properties (such as structural, functional, and spatial information, amino acid conservation, physicochemical variation, residue mobility, and thermodynamic stability) performed at Invitae indicates that this missense variant is not expected to disrupt PRKAG2 protein function with a negative predictive value of 95%. In summary, the available evidence is currently insufficient to determine the role of this variant in disease. Therefore, it has been classified as a Variant of Uncertain Significance.

NM_016203.4(PRKAG2):c.83A>G (p.Gln28Arg)

Gene: PRKAG2 (protein kinase AMP-activated non-catalytic subunit gamma 2; minus strand). Cytogenetic location: 7q36.1.
Variant type: single nucleotide variant.
Coding change: c.83A>G on transcript NM_016203.4 (MANE Select); coding-DNA position 83, A replaced by G.
Protein change: p.Gln28Arg; replaces glutamine 28 with arginine.
Molecular consequence: missense variant.
Genome position (GRCh38, 1-based): chr7:151,876,538, T>C on the plus strand (A>G on the coding strand, the complement: PRKAG2 is on the minus strand). VCF-style: chr7-151876538-T-C. GRCh37 (hg19) VCF-style: chr7-151573623-T-C.
Other names: short protein forms Q28R.
Identifiers: ClinVar variation 1051753 (VCV001051753.10), dbSNP rs1164114205, ClinGen allele CA370071898.